The following is an entry in ClinVar:

ClinVar aggregate classification (germline): Benign. Review status: criteria provided, single submitter (1 of 4 stars). 2 submissions from 2 submitters: Benign (1). 1 of the submissions does not count toward it. Last evaluated 2023-04-01.

Conditions:
ZNF644-related disorder. Also called: ZNF644-related condition.

Allele frequency attached by ClinVar (database versions not stated): 1000 Genomes Project 0.00040; 1000 Genomes Project 30x 0.00047; TOPMed 0.00088; ESP Exome Variant Server 0.00100; gnomAD 0.00111; gnomAD exomes 0.00118; ExAC 0.00136.
gnomAD v4.1: 1,868 of 1,614,074 alleles (0.12%); highest among the groups gnomAD compares: Admixed American, 0.13%; 2 homozygotes.

Submissions (2):

CeGaT Center for Human Genetics Tuebingen
Classification: Benign. Last evaluated: 2023-04-01. Review status: criteria provided, single submitter. Criteria: CeGaT Center For Human Genetics Tuebingen Variant Classification Criteria Version 2. Collection method: clinical testing. Allele origin: germline. Affected: yes. Observed: 2 variant alleles.
Comment: ZNF644: BP4, BS1, BS2

PreventionGenetics, part of Exact Sciences
Classification: Likely benign for ZNF644-related condition. Last evaluated: 2019-09-18. Review status: no assertion criteria provided. Collection method: clinical testing. Allele origin: germline. Not counted in ClinVar's aggregate classification.
Comment: This variant is classified as likely benign based on ACMG/AMP sequence variant interpretation guidelines (Richards et al. 2015 PMID: 25741868, with internal and published modifications).

NM_201269.3(ZNF644):c.639G>A (p.Lys213=)

Gene: ZNF644 (zinc finger protein 644; minus strand). Cytogenetic location: 1p22.2.
Variant type: single nucleotide variant.
Coding change: c.639G>A on transcript NM_201269.3 (MANE Select); coding-DNA position 639, G replaced by A.
Protein change: p.Lys213=; no amino-acid change (lysine 213 retained).
Molecular consequence: synonymous variant. On other transcripts: intron variant (2).
Genome position (GRCh38, 1-based): chr1:90,940,715, C>T on the plus strand (G>A on the coding strand, the complement: ZNF644 is on the minus strand). VCF-style: chr1-90940715-C-T. GRCh37 (hg19) VCF-style: chr1-91406272-C-T.
Other names: c.639G>A (NM_201269.2); c.23-22561G>A (NM_032186.5, NM_016620.4).
Identifiers: ClinVar variation 2638926 (VCV002638926.25), dbSNP rs141502892, ClinGen allele CA945221.